The following is an entry in ClinVar:

NM_015338.6(ASXL1):c.2533C>A (p.Pro845Thr)

Gene: ASXL1 (ASXL transcriptional regulator 1; plus strand). Cytogenetic location: 20q11.21.
Variant type: single nucleotide variant.
Coding change: c.2533C>A on transcript NM_015338.6 (MANE Select); coding-DNA position 2533, C replaced by A.
Protein change: p.Pro845Thr; replaces proline 845 with threonine.
Molecular consequence: missense variant.
Genome position (GRCh38, 1-based): chr20:32,435,245, C>A. VCF-style: chr20-32435245-C-A. GRCh37 (hg19) VCF-style: chr20-31023048-C-A.
Other names: c.2350C>A, p.Pro784Thr (NM_001363734.1); short protein forms P784T, P845T.
Identifiers: ClinVar variation 1514352 (VCV001514352.6), dbSNP rs2145368696, ClinGen allele CA408560092.

ClinVar aggregate classification (germline): Uncertain significance (1 of 4 stars; one submission).

Allele frequency attached by ClinVar (database versions not stated): gnomAD exomes below 0.00001.
gnomAD v4.1: 1 of 1,614,070 alleles (0.000062%); highest among the groups gnomAD compares: African/African-American, 0.0013%; no homozygotes.

Submission:

Labcorp Genetics (formerly Invitae), Labcorp
Classification: Uncertain significance. Last evaluated: 2021-10-28. Review status: criteria provided, single submitter. Criteria: Invitae Variant Classification Sherloc (09022015). Collection method: clinical testing. Allele origin: germline.
Comment: In summary, the available evidence is currently insufficient to determine the role of this variant in disease. Therefore, it has been classified as a Variant of Uncertain Significance. Algorithms developed to predict the effect of missense changes on protein structure and function are either unavailable or do not agree on the potential impact of this missense change (SIFT: "Tolerated"; PolyPhen-2: "Possibly Damaging"; Align-GVGD: "Class C0"). This variant has not been reported in the literature in individuals affected with ASXL1-related conditions. This variant is not present in population databases (gnomAD no frequency). This sequence change replaces proline, which is neutral and non-polar, with threonine, which is neutral and polar, at codon 845 of the ASXL1 protein (p.Pro845Thr).